The following is an entry in ClinVar:

ClinVar aggregate classification (germline): Uncertain significance. Review status: criteria provided, multiple submitters, no conflicts (2 of 4 stars). 2 submissions from 2 submitters: Uncertain significance (2). Last evaluated 2026-09-08.

Conditions:
Optic atrophy 3 (OPA3). Also called: OPTIC ATROPHY 3, AUTOSOMAL DOMINANT; Optic atrophy, cataract, and neurologic disorder; Optic atrophy 3 with cataract. Identifiers: Orphanet 67036, MedGen C1833809, MONDO:0008133, OMIM 165300.
3-Methylglutaconic aciduria type 3 (MGCA3). Also called: OPA3, AUTOSOMAL RECESSIVE; OPTIC ATROPHY 3, AUTOSOMAL RECESSIVE; OPA3-Related 3-Methylglutaconic Aciduria; Costeff Syndrome. Identifiers: Orphanet 67047, MedGen C0574084, MONDO:0009787, OMIM 258501.
OPA3-related disorder. Also called: OPA3-related condition.

Allele frequency attached by ClinVar (database versions not stated): gnomAD exomes below 0.00001; ExAC 0.00002; gnomAD 0.00005; TOPMed 0.00010; 1000 Genomes Project 0.00020; 1000 Genomes Project 30x 0.00031.
gnomAD v4.1: 10 of 1,614,152 alleles (0.00062%); highest among the groups gnomAD compares: Admixed American, 0.012%; no homozygotes.

Submissions (2):

PreventionGenetics, part of Exact Sciences
Classification: Uncertain significance for OPA3-related condition. Last evaluated: 2026-09-08. Review status: criteria provided, single submitter. Criteria: ACMG Guidelines, 2015. Collection method: clinical testing. Allele origin: germline.
Comment: The OPA3 c.34C>G variant is predicted to result in the amino acid substitution p.Leu12Val. To our knowledge, this variant has not been reported in the literature. This variant is present in 0.0029% of alleles in individuals of Latino descent in gnomAD. At this time, the clinical significance of this variant is uncertain due to the absence of conclusive functional and genetic evidence.

Labcorp Genetics (formerly Invitae), Labcorp
Classification: Uncertain significance for 3-Methylglutaconic aciduria type 3; Optic atrophy 3. Last evaluated: 2025-08-13. Review status: criteria provided, single submitter. Criteria: Invitae Variant Classification Sherloc (09022015). Collection method: clinical testing. Allele origin: germline.
Comment: This sequence change replaces leucine, which is neutral and non-polar, with valine, which is neutral and non-polar, at codon 12 of the OPA3 protein (p.Leu12Val). This variant is present in population databases (rs200742525, gnomAD 0.006%). This variant has not been reported in the literature in individuals affected with OPA3-related conditions. ClinVar contains an entry for this variant (Variation ID: 2197733). An algorithm developed to predict the effect of missense changes on protein structure and function (PolyPhen-2) suggests that this variant is likely to be tolerated. In summary, the available evidence is currently insufficient to determine the role of this variant in disease. Therefore, it has been classified as a Variant of Uncertain Significance.

NM_025136.4(OPA3):c.34C>G (p.Leu12Val)

Genes: OPA3 (outer mitochondrial membrane lipid metabolism regulator OPA3; minus strand), OPA3-RTN2 (OPA3-RTN2 readthrough; minus strand), LOC130064709 (ATAC-STARR-seq lymphoblastoid active region 14802; plus strand). Cytogenetic location: 19q13.32.
Variant type: single nucleotide variant.
Coding change: c.34C>G on transcript NM_025136.4 (MANE Select); coding-DNA position 34, C replaced by G.
Protein change: p.Leu12Val; replaces leucine 12 with valine.
Molecular consequence: missense variant.
Genome position (GRCh38, 1-based): chr19:45,584,731, G>C on the plus strand (C>G on the coding strand, the complement: OPA3 is on the minus strand). VCF-style: chr19-45584731-G-C. GRCh37 (hg19) VCF-style: chr19-46087989-G-C.
Other names: c.34C>G, p.Leu12Val (NM_001017989.3); c.34C>G (NM_025136.3); short protein forms L12V.
Identifiers: ClinVar variation 2197733 (VCV002197733.5), dbSNP rs200742525, ClinGen allele CA9517497.